The following is an entry in ClinVar:

ClinVar aggregate classification (germline): Uncertain significance. Review status: criteria provided, multiple submitters, no conflicts (2 of 4 stars). 3 submissions from 3 submitters: Uncertain significance (3). Last evaluated 2025-03-21.

Conditions:
Primary ciliary dyskinesia 28. Also called: CILIARY DYSKINESIA, PRIMARY, 28, WITH OR WITHOUT SITUS INVERSUS. Identifiers: Orphanet 244, MedGen C3809706, MONDO:0014216, OMIM 615505.
Primary ciliary dyskinesia. Also called: Ciliary dyskinesia. Identifiers: Orphanet 244, MedGen C0008780, MONDO:0016575, HP:0012265.

Allele frequency attached by ClinVar (database versions not stated): gnomAD below 0.00001 and 0.00001; TOPMed 0.00001.
gnomAD v4.1: 11 of 1,613,546 alleles (0.00068%); highest among the groups gnomAD compares: Middle Eastern, 0.069%; no homozygotes.

Submissions (3):

Mayo Clinic Laboratories, Mayo Clinic
Classification: Uncertain significance. Last evaluated: 2025-03-21. Review status: criteria provided, single submitter. Criteria: ACMG Guidelines, 2015. Collection method: clinical testing. Allele origin: germline. Observed: 1 variant allele.
Comment: BP4_moderate, PM2_supporting

Ambry Genetics
Classification: Uncertain significance for Primary ciliary dyskinesia. Last evaluated: 2021-09-01. Review status: criteria provided, single submitter. Criteria: Ambry Variant Classification Scheme 2023. Collection method: clinical testing. Allele origin: germline.

Labcorp Genetics (formerly Invitae), Labcorp
Classification: Uncertain significance for Ciliary dyskinesia, primary, 28. Last evaluated: 2019-02-14. Review status: criteria provided, single submitter. Criteria: Invitae Variant Classification Sherloc (09022015). Collection method: clinical testing. Allele origin: germline.
Comment: This sequence change replaces glutamine with proline at codon 614 of the SPAG1 protein (p.Gln614Pro). The glutamine residue is weakly conserved and there is a moderate physicochemical difference between glutamine and proline. This variant is not present in population databases (ExAC no frequency). This variant has not been reported in the literature in individuals with SPAG1-related conditions. Algorithms developed to predict the effect of missense changes on protein structure and function output the following: SIFT: "Tolerated"; PolyPhen-2: "Benign"; Align-GVGD: "Class C0". The proline amino acid residue is found in multiple mammalian species, suggesting that this missense change does not adversely affect protein function. These predictions have not been confirmed by published functional studies and their clinical significance is uncertain. In summary, the available evidence is currently insufficient to determine the role of this variant in disease. Therefore, it has been classified as a Variant of Uncertain Significance.

NM_003114.5(SPAG1):c.1841A>C (p.Gln614Pro)

Gene: SPAG1 (sperm associated antigen 1; plus strand). Cytogenetic location: 8q22.2.
Variant type: single nucleotide variant.
Coding change: c.1841A>C on transcript NM_003114.5 (MANE Select); coding-DNA position 1841, A replaced by C.
Protein change: p.Gln614Pro; replaces glutamine 614 with proline.
Molecular consequence: missense variant.
Genome position (GRCh38, 1-based): chr8:100,225,325, A>C. VCF-style: chr8-100225325-A-C. GRCh37 (hg19) VCF-style: chr8-101237553-A-C.
Other names: p.Gln614Pro; c.1841A>C, p.Gln614Pro (NM_001374321.1, NM_172218.3); c.1841A>C (NM_003114.4); short protein forms Q614P.
Identifiers: ClinVar variation 849832 (VCV000849832.3), dbSNP rs912740405, ClinGen allele CA182387900.